The following is an entry in ClinVar:

NM_006086.4(TUBB3):c.358G>T (p.Val120Leu)

Gene: TUBB3 (tubulin beta 3 class III; plus strand). Cytogenetic location: 16q24.3.
Variant type: single nucleotide variant.
Coding change: c.358G>T on transcript NM_006086.4 (MANE Select); coding-DNA position 358, G replaced by T.
Protein change: p.Val120Leu; replaces valine 120 with leucine.
Molecular consequence: missense variant.
Genome position (GRCh38, 1-based): chr16:89,934,809, G>T. VCF-style: chr16-89934809-G-T. GRCh37 (hg19) VCF-style: chr16-90001217-G-T.
Other names: c.142G>T, p.Val48Leu (NM_001197181.2); short protein forms V120L, V48L.
Identifiers: ClinVar variation 3361069 (VCV003361069.1).

ClinVar aggregate classification (germline): Uncertain significance (1 of 4 stars; one submission).

Submission:

GeneDx
Classification: Uncertain significance. Last evaluated: 2023-07-14. Review status: criteria provided, single submitter. Criteria: GeneDx Variant Classification Process June 2021. Collection method: clinical testing. Allele origin: germline. Affected: yes.
Comment: Not observed at significant frequency in large population cohorts (gnomAD); Missense variants in this gene are often considered pathogenic (HGMD); In silico analysis supports that this missense variant does not alter protein structure/function; Has not been previously published as pathogenic or benign to our knowledge; This variant is associated with the following publications: (PMID: 20829227)